The following is an entry in ClinVar:

ClinVar aggregate classification (germline): Uncertain significance. Review status: criteria provided, multiple submitters, no conflicts (2 of 4 stars). 3 submissions from 3 submitters: Uncertain significance (2). 1 of the submissions does not count toward it. Last evaluated 2022-07-12.

Conditions:
ALDOB-related disorder. Also called: ALDOB-related condition.
Hereditary fructosuria. Also called: ALDOB DEFICIENCY; ALDOLASE B DEFICIENCY; FRUCTOSE-1,6-BISPHOSPHATE ALDOLASE B DEFICIENCY; FRUCTOSE-1-PHOSPHATE ALDOLASE DEFICIENCY; FRUCTOSEMIA; Hereditary fructose intolerance. Identifiers: Orphanet 469, MedGen C0016751, MONDO:0009249, OMIM 229600, HP:0005973. Disease mechanism: loss of function.

Allele frequency attached by ClinVar (database versions not stated): gnomAD exomes 0.00005 and 0.00008; gnomAD 0.00007; ESP Exome Variant Server 0.00008; TOPMed 0.00011; ExAC 0.00012.

Submissions (3):

Labcorp Genetics (formerly Invitae), Labcorp
Classification: Uncertain significance for Hereditary fructosuria. Last evaluated: 2022-07-12. Review status: criteria provided, single submitter. Criteria: Invitae Variant Classification Sherloc (09022015). Collection method: clinical testing. Allele origin: germline.
Comment: This sequence change replaces arginine, which is basic and polar, with tryptophan, which is neutral and slightly polar, at codon 331 of the ALDOB protein (p.Arg331Trp). This variant is present in population databases (rs150407710, gnomAD 0.02%), including at least one homozygous and/or hemizygous individual. This variant has not been reported in the literature in individuals affected with ALDOB-related conditions. ClinVar contains an entry for this variant (Variation ID: 594385). Algorithms developed to predict the effect of missense changes on protein structure and function are either unavailable or do not agree on the potential impact of this missense change (SIFT: "Deleterious"; PolyPhen-2: "Probably Damaging"; Align-GVGD: "Class C0"). Algorithms developed to predict the effect of sequence changes on RNA splicing suggest that this variant may create or strengthen a splice site. In summary, the available evidence is currently insufficient to determine the role of this variant in disease. Therefore, it has been classified as a Variant of Uncertain Significance.

Eurofins Ntd Llc (ga)
Classification: Uncertain significance. Last evaluated: 2017-10-04. Review status: criteria provided, single submitter. Criteria: EGL Classification Definitions 2015. Collection method: clinical testing. Allele origin: germline. Observed: 1 variant allele, 1 heterozygote.

PreventionGenetics, part of Exact Sciences
Classification: Uncertain significance for ALDOB-related condition. Last evaluated: 2024-09-11. Review status: no assertion criteria provided. Collection method: clinical testing. Allele origin: germline. Not counted in ClinVar's aggregate classification.
Comment: The ALDOB c.991C>T variant is predicted to result in the amino acid substitution p.Arg331Trp. To our knowledge, this variant has not been reported in the literature. This variant is reported in 0.024% of alleles in individuals of African descent in gnomAD. At this time, the clinical significance of this variant is uncertain due to the absence of conclusive functional and genetic evidence.

NM_000035.4(ALDOB):c.991C>T (p.Arg331Trp)

Gene: ALDOB (aldolase, fructose-bisphosphate B; minus strand). Cytogenetic location: 9q31.1.
Variant type: single nucleotide variant.
Coding change: c.991C>T on transcript NM_000035.4 (MANE Select); coding-DNA position 991, C replaced by T.
Protein change: p.Arg331Trp; replaces arginine 331 with tryptophan.
Molecular consequence: missense variant.
Genome position (GRCh38, 1-based): chr9:101,424,851, G>A on the plus strand (C>T on the coding strand, the complement: ALDOB is on the minus strand). VCF-style: chr9-101424851-G-A. GRCh37 (hg19) VCF-style: chr9-104187133-G-A.
Other names: c.991C>T (NM_000035.3); c.991C>T, p.Arg331Trp (LRG_1244t1); short protein forms R331W.
Identifiers: ClinVar variation 594385 (VCV000594385.7), dbSNP rs150407710, ClinGen allele CA5161418.
Genomic context (GRCh38, chr9:101,424,851, plus strand): 5'-CAAGCCCCAAATGTGAACATCATCAAGTAGATAAGAGGTGGCAGCATCTTACCATGGCCC[G>A]CTTCATAAAAGCCTCCTGGGTTGCCTCCTTGTTTGCAGCCTTGCCACCCCAGGCAGCCAG-3'
Protein context (NP_000026.2, residues 321-341): KEATQEAFMK[Arg331Trp]AMANCQAAKG